The following is an entry in ClinVar:

NM_000350.3(ABCA4):c.215G>A (p.Gly72Glu)

Gene: ABCA4 (ATP binding cassette subfamily A member 4; minus strand). Cytogenetic location: 1p22.1.
Variant type: single nucleotide variant.
Coding change: c.215G>A on transcript NM_000350.3 (MANE Select); coding-DNA position 215, G replaced by A.
Protein change: p.Gly72Glu; replaces glycine 72 with glutamic acid.
Molecular consequence: missense variant.
Genome position (GRCh38, 1-based): chr1:94,111,525, C>T on the plus strand (G>A on the coding strand, the complement: ABCA4 is on the minus strand). VCF-style: chr1-94111525-C-T. GRCh37 (hg19) VCF-style: chr1-94577081-C-T.
Other names: c.215G>A, p.Gly72Glu (NM_001425324.1); short protein forms G72E.
Identifiers: ClinVar variation 2694095 (VCV002694095.4), dbSNP rs2101162548, ClinGen allele CA341285534.

ClinVar aggregate classification (germline): Pathogenic/Likely pathogenic. Review status: criteria provided, multiple submitters, no conflicts (2 of 4 stars). 2 submissions from 2 submitters: Pathogenic (1); Likely pathogenic (1). Last evaluated 2023-11-13.

Conditions:
ABCA4-related disorder. Also called: ABCA4-related condition; ABCA4-related disorders. Identifiers: MedGen CN239167.

Submissions (2):

Labcorp Genetics (formerly Invitae), Labcorp
Classification: Pathogenic. Last evaluated: 2023-11-13. Review status: criteria provided, single submitter. Criteria: Invitae Variant Classification Sherloc (09022015). Collection method: clinical testing. Allele origin: germline.
Comment: This sequence change replaces glycine, which is neutral and non-polar, with glutamic acid, which is acidic and polar, at codon 72 of the ABCA4 protein (p.Gly72Glu). This variant is not present in population databases (gnomAD no frequency). This missense change has been observed in individual(s) with Stargardt disease (Invitae). Advanced modeling of protein sequence and biophysical properties (such as structural, functional, and spatial information, amino acid conservation, physicochemical variation, residue mobility, and thermodynamic stability) performed at Invitae indicates that this missense variant is expected to disrupt ABCA4 protein function with a positive predictive value of 95%. This variant disrupts the p.Gly72 amino acid residue in ABCA4. Other variant(s) that disrupt this residue have been determined to be pathogenic (PMID: 22264887, 28355279, 30834176, 30945053). This suggests that this residue is clinically significant, and that variants that disrupt this residue are likely to be disease-causing. For these reasons, this variant has been classified as Pathogenic.

Blueprint Genetics
Classification: Likely pathogenic for ABCA4-related disorders. Last evaluated: 2022-03-07. Review status: criteria provided, single submitter. Criteria: ACMG Guidelines, 2015. Collection method: clinical testing. Allele origin: germline. Affected: yes. Observed: 1 variant allele.

Literature cited by the submitters: PubMed 22264887 (cited by Labcorp Genetics (formerly Invitae), Labcorp); PubMed 28355279 (cited by Labcorp Genetics (formerly Invitae), Labcorp); PubMed 30834176 (cited by Labcorp Genetics (formerly Invitae), Labcorp); PubMed 30945053 (cited by Labcorp Genetics (formerly Invitae), Labcorp).